The following is an entry in ClinVar:

NM_004183.4(BEST1):c.605G>A (p.Arg202Gln)

Gene: BEST1 (bestrophin 1; plus strand). Cytogenetic location: 11q12.3.
Variant type: single nucleotide variant.
Coding change: c.605G>A on transcript NM_004183.4 (MANE Select); coding-DNA position 605, G replaced by A.
Protein change: p.Arg202Gln; replaces arginine 202 with glutamine.
Molecular consequence: missense variant. On other transcripts: non-coding transcript variant (1).
Genome position (GRCh38, 1-based): chr11:61,956,967, G>A. VCF-style: chr11-61956967-G-A. GRCh37 (hg19) VCF-style: chr11-61724439-G-A.
Other names: c.425G>A, p.Arg142Gln (NM_001139443.3, NM_001300786.2, NM_001300787.2); c.287G>A, p.Arg96Gln (NM_001363591.3); c.605G>A, p.Arg202Gln (NM_001363592.2); c.-571G>A (NM_001363593.3); short protein forms R142Q, R202Q, R96Q.
Identifiers: ClinVar variation 1525341 (VCV001525341.9), dbSNP rs753437612, ClinGen allele CA6040781.

ClinVar aggregate classification (germline): Likely pathogenic. Review status: criteria provided, multiple submitters, no conflicts (2 of 4 stars). 2 submissions from 2 submitters: Likely pathogenic (2). Last evaluated 2026-01-19.

Conditions:
BEST1-related disorder. Also called: BEST1-related disorders; BEST1-related condition. Identifiers: MedGen CN239200.

Allele frequency attached by ClinVar (database versions not stated): gnomAD exomes below 0.00001 and 0.00001; TOPMed below 0.00001; ExAC 0.00001; gnomAD 0.00001.

Submissions (2):

Labcorp Genetics (formerly Invitae), Labcorp
Classification: Likely pathogenic. Last evaluated: 2026-01-19. Review status: criteria provided, single submitter. Criteria: Invitae Variant Classification Sherloc (09022015). Collection method: clinical testing. Allele origin: germline.
Comment: This sequence change replaces arginine, which is basic and polar, with glutamine, which is neutral and polar, at codon 202 of the BEST1 protein (p.Arg202Gln). This variant is present in population databases (rs753437612, gnomAD 0.0009%). This variant has not been observed in the literature in individuals with autosomal recessive BEST1-related conditions. This variant has been reported in individual(s) with autosomal dominant BEST1-related conditions (PMID: 36259723; internal data); however, the role of the variant in this condition is currently unclear. ClinVar contains an entry for this variant (Variation ID: 1525341). Invitae Evidence Modeling of protein sequence and biophysical properties (such as structural, functional, and spatial information, amino acid conservation, physicochemical variation, residue mobility, and thermodynamic stability) indicates that this missense variant is expected to disrupt BEST1 protein function with a positive predictive value of 95%. This variant disrupts the p.Arg202 amino acid residue in BEST1. Other variant(s) that disrupt this residue have been determined to be pathogenic (PMID: 21330666, 27519691, 31519547, 31766397). This suggests that this residue is clinically significant, and that variants that disrupt this residue are likely to be disease-causing. In summary, the currently available evidence indicates that the variant is pathogenic, but additional data are needed to prove that conclusively. Therefore, this variant has been classified as Likely Pathogenic.

Blueprint Genetics
Classification: Likely pathogenic for BEST1-related disorders. Last evaluated: 2023-08-10. Review status: criteria provided, single submitter. Criteria: ACMG Guidelines, 2015. Collection method: clinical testing. Allele origin: germline. Affected: yes. Observed: 3 variant alleles.

Literature cited by the submitters: PubMed 36259723 (cited by Labcorp Genetics (formerly Invitae), Labcorp); PubMed 21330666 (cited by Labcorp Genetics (formerly Invitae), Labcorp); PubMed 27519691 (cited by Labcorp Genetics (formerly Invitae), Labcorp); PubMed 31519547 (cited by Labcorp Genetics (formerly Invitae), Labcorp); PubMed 31766397 (cited by Labcorp Genetics (formerly Invitae), Labcorp).